The following is an entry in ClinVar:

ClinVar aggregate classification (germline): Uncertain significance (1 of 4 stars; one submission).

Conditions:
Inborn genetic diseases. Identifiers: MedGen C0950123, MeSH D030342.

gnomAD v4.1: 16 of 1,613,800 alleles (0.00099%); highest among the groups gnomAD compares: Non-Finnish European, 0.0013%; no homozygotes.

Submission:

Ambry Genetics
Classification: Uncertain significance for Inborn genetic diseases. Last evaluated: 2021-08-19. Review status: criteria provided, single submitter. Criteria: Ambry Variant Classification Scheme 2023. Collection method: clinical testing. Allele origin: germline.
Comment: The p.P263Q variant (also known as c.788C>A), located in coding exon 6 of the DNM2 gene, results from a C to A substitution at nucleotide position 788. The proline at codon 263 is replaced by glutamine, an amino acid with similar properties. This variant has been detected in individuals with Charcot-Marie-Tooth (CMT) disease, some of whom had causative mutations in other CMT-associated genes; in addition, this alteration has been detected in healthy control individuals (Choi BO et al. Hum Mutat, 2012 Nov;33:1610-5; Antoniadi T et al. BMC Med Genet, 2015 Sep;16:84). This amino acid position is highly conserved in available vertebrate species. In addition, the in silico prediction for this alteration is inconclusive. Since supporting evidence is limited at this time, the clinical significance of this alteration remains unclear.

Literature cited by the submitters: PubMed 22730194; PubMed 26392352.

NM_001005361.3(DNM2):c.788C>A (p.Pro263Gln)

Gene: DNM2 (dynamin 2; plus strand). Cytogenetic location: 19p13.2.
Variant type: single nucleotide variant.
Coding change: c.788C>A on transcript NM_001005361.3 (MANE Select); coding-DNA position 788, C replaced by A.
Protein change: p.Pro263Gln; replaces proline 263 with glutamine.
Molecular consequence: missense variant.
Genome position (GRCh38, 1-based): chr19:10,783,059, C>A. VCF-style: chr19-10783059-C-A. GRCh37 (hg19) VCF-style: chr19-10893735-C-A.
Other names: c.788C>A, p.Pro263Gln (NM_001005360.3, NM_001005362.3, NM_001190716.2 and 1 more transcripts); short protein forms P263Q.
Identifiers: ClinVar variation 1761034 (VCV001761034.2), dbSNP rs3745674, ClinGen allele CA9200886.